The following is an entry in ClinVar:

NM_002098.6(GUCA1B):c.493G>A (p.Glu165Lys)

Gene: GUCA1B (guanylate cyclase activator 1B; minus strand). Cytogenetic location: 6p21.1.
Variant type: single nucleotide variant.
Coding change: c.493G>A on transcript NM_002098.6 (MANE Select); coding-DNA position 493, G replaced by A.
Protein change: p.Glu165Lys; replaces glutamic acid 165 with lysine.
Molecular consequence: missense variant.
Genome position (GRCh38, 1-based): chr6:42,184,925, C>T on the plus strand (G>A on the coding strand, the complement: GUCA1B is on the minus strand). VCF-style: chr6-42184925-C-T. GRCh37 (hg19) VCF-style: chr6-42152663-C-T.
Other names: short protein forms E165K.
Identifiers: ClinVar variation 3365599 (VCV003365599.1).

ClinVar aggregate classification (germline): Uncertain significance (1 of 4 stars; one submission).

gnomAD v4.1: 8 of 1,614,050 alleles (0.0005%); highest among the groups gnomAD compares: Non-Finnish European, 0.00068%; no homozygotes.

Submission:

GeneDx
Classification: Uncertain significance. Last evaluated: 2023-12-19. Review status: criteria provided, single submitter. Criteria: GeneDx Variant Classification Process June 2021. Collection method: clinical testing. Allele origin: germline. Affected: yes.
Comment: In silico analysis supports that this missense variant has a deleterious effect on protein structure/function; Has not been previously published as pathogenic or benign to our knowledge